The following is an entry in ClinVar:

NM_000069.3(CACNA1S):c.1192C>T (p.Leu398=)

Gene: CACNA1S (calcium voltage-gated channel subunit alpha1 S; minus strand). Cytogenetic location: 1q32.1.
Variant type: single nucleotide variant.
Coding change: c.1192C>T on transcript NM_000069.3 (MANE Select); coding-DNA position 1192, C replaced by T.
Protein change: p.Leu398=; no amino-acid change (leucine 398 retained).
Molecular consequence: synonymous variant.
Genome position (GRCh38, 1-based): chr1:201,084,990, G>A on the plus strand (C>T on the coding strand, the complement: CACNA1S is on the minus strand). VCF-style: chr1-201084990-G-A. GRCh37 (hg19) VCF-style: chr1-201054118-G-A.
Identifiers: ClinVar variation 3386391 (VCV003386391.1).
Genomic context (GRCh38, chr1:201,084,990, plus strand): 5'-GGCAGTGGGCAGATACTCACATGAACTGGATGATTTTGTTCAAGCCTGCAATTTCATACA[G>A]GCTCTCTGTGTCAGAGCCACCTTCATCCAAAGACAGTTTTCCTGGAGACAGGAGAGAAAG-3'
Protein context (NP_000060.2, residues 388-408): LDEGGSDTES[Leu398=]YEIAGLNKII

ClinVar aggregate classification (germline): Likely benign (1 of 4 stars; one submission).

Conditions:
Malignant hyperthermia, susceptibility to, 5 (MHS5). Also called: CACNA1S-Related Malignant Hyperthermia Susceptibility. Identifiers: Orphanet 423, MedGen C1866077, MONDO:0011163, OMIM 601887.

gnomAD v4.1: 1 of 1,612,716 alleles (0.000062%); highest among the groups gnomAD compares: African/African-American, 0.0013%; no homozygotes.

Submission:

All of Us Research Program, National Institutes of Health
Classification: Likely benign for Malignant hyperthermia, susceptibility to, 5. Last evaluated: 2024-05-14. Review status: criteria provided, single submitter. Criteria: ACMG Guidelines, 2015. Collection method: clinical testing. Allele origin: germline. Inheritance: Autosomal dominant inheritance. Observed: 1 variant allele, 1 heterozygote.
Comment: This study involves interpretation of variants in research participants for the purpose of population health screening. Participant phenotype was not available at the time of variant classification. Additional details can be found in publication PMID: 35346344, PMCID: PMC8962531